The following is an entry in ClinVar:

NM_003119.4(SPG7):c.2182-831G>A

Gene: SPG7 (SPG7 matrix AAA peptidase subunit, paraplegin; plus strand). Cytogenetic location: 16q24.3.
Variant type: single nucleotide variant.
Coding change: c.2182-831G>A on transcript NM_003119.4 (MANE Select); 831 bases into the intron before coding-DNA position 2182, G replaced by A.
Molecular consequence: intron variant. On other transcripts: missense variant (1).
Genome position (GRCh38, 1-based): chr16:89,556,056, G>A. VCF-style: chr16-89556056-G-A. GRCh37 (hg19) VCF-style: chr16-89622464-G-A.
Other names: c.2360G>A, p.Ser787Asn (NM_001363850.1); short protein forms S787N.
Identifiers: ClinVar variation 2647114 (VCV002647114.24), dbSNP rs1567936104, ClinGen allele CA2241764260.
Genomic context (GRCh38, chr16:89,556,056, plus strand): 5'-CTGTGGACCCATGCTCATCACGGTTGACAAAGCAGCTCTGCAGAGCTCGGGCACATCACA[G>A]TGGGAGCCACAACGGGAGCAAAGCTGCAGGCAAGGCTTCTCACTGGCTGAGGAGTGGTGT-3'

ClinVar aggregate classification (germline): Uncertain significance (1 of 4 stars; one submission).

Submission:

CeGaT Center for Human Genetics Tuebingen
Classification: Uncertain significance. Last evaluated: 2023-01-01. Review status: criteria provided, single submitter. Criteria: CeGaT Center For Human Genetics Tuebingen Variant Classification Criteria Version 2. Collection method: clinical testing. Allele origin: germline. Affected: yes. Observed: 1 variant allele.
Comment: SPG7: PM2